The following is an entry in ClinVar:

ClinVar aggregate classification (germline): Uncertain significance. Review status: criteria provided, multiple submitters, no conflicts (2 of 4 stars). 3 submissions from 3 submitters: Uncertain significance (3). Last evaluated 2026-06-09.

Allele frequency attached by ClinVar (database versions not stated): gnomAD 0.00011 and 0.00013.
gnomAD v4.1: 26 of 1,613,832 alleles (0.0016%); highest among the groups gnomAD compares: Admixed American, 0.033%; no homozygotes.

Submissions (3):

GeneDx
Classification: Uncertain significance. Last evaluated: 2026-06-09. Review status: criteria provided, single submitter. Criteria: GeneDx Variant Classification Process June 2021. Collection method: clinical testing. Allele origin: germline.
Comment: Not observed at significant frequency in large population cohorts (gnomAD); In silico analysis suggests that this missense variant does not alter protein structure/function; Has not been previously published as pathogenic or benign to our knowledge

Ambry Genetics
Classification: Uncertain significance. Last evaluated: 2025-05-23. Review status: criteria provided, single submitter. Criteria: Ambry Variant Classification Scheme 2023. Collection method: clinical testing. Allele origin: germline.

Labcorp Genetics (formerly Invitae), Labcorp
Classification: Uncertain significance. Last evaluated: 2022-06-28. Review status: criteria provided, single submitter. Criteria: Invitae Variant Classification Sherloc (09022015). Collection method: clinical testing. Allele origin: germline.
Comment: This sequence change replaces glutamic acid, which is acidic and polar, with aspartic acid, which is acidic and polar, at codon 1659 of the CACNA1B protein (p.Glu1659Asp). This variant is present in population databases (no rsID available, gnomAD no frequency). This variant has not been reported in the literature in individuals affected with CACNA1B-related conditions. Advanced modeling of protein sequence and biophysical properties (such as structural, functional, and spatial information, amino acid conservation, physicochemical variation, residue mobility, and thermodynamic stability) performed at Invitae indicates that this missense variant is not expected to disrupt CACNA1B protein function. In summary, the available evidence is currently insufficient to determine the role of this variant in disease. Therefore, it has been classified as a Variant of Uncertain Significance.

NM_000718.4(CACNA1B):c.4977G>C (p.Glu1659Asp)

Gene: CACNA1B (calcium voltage-gated channel subunit alpha1 B; plus strand). Cytogenetic location: 9q34.3.
Variant type: single nucleotide variant.
Coding change: c.4977G>C on transcript NM_000718.4 (MANE Select); coding-DNA position 4977, G replaced by C.
Protein change: p.Glu1659Asp; replaces glutamic acid 1659 with aspartic acid.
Molecular consequence: missense variant.
Genome position (GRCh38, 1-based): chr9:138,078,141, G>C. VCF-style: chr9-138078141-G-C. GRCh37 (hg19) VCF-style: chr9-140972593-G-C.
Other names: c.4977G>C (NM_000718.3); c.4977G>C, p.Glu1659Asp (NM_001243812.2); short protein forms E1659D.
Identifiers: ClinVar variation 1421878 (VCV001421878.7), dbSNP rs942631104, ClinGen allele CA201863282.